The following is an entry in ClinVar:

ClinVar aggregate classification (germline): Conflicting classifications of pathogenicity. Review status: criteria provided, conflicting classifications (1 of 4 stars). 3 submissions from 3 submitters: Uncertain significance (1); Likely benign (2). Last evaluated 2025-02-19.

Conditions:
Inborn genetic diseases. Identifiers: MedGen C0950123, MeSH D030342.
Early-infantile DEE. Also called: Early infantile epileptic encephalopathy; Ohtahara syndrome; Early infantile epileptic encephalopathy with suppression bursts. Identifiers: Orphanet 1934, MedGen C0393706, MONDO:0800491.

Allele frequency attached by ClinVar (database versions not stated): TOPMed below 0.00001; ExAC 0.00001; gnomAD 0.00001.
gnomAD v4.1: 2 of 1,610,370 alleles (0.00012%); highest among the groups gnomAD compares: Non-Finnish European, 0.00017%; no homozygotes.

Submissions (3):

Ambry Genetics
Classification: Likely benign for Inborn genetic diseases. Last evaluated: 2025-02-19. Review status: criteria provided, single submitter. Criteria: Ambry Variant Classification Scheme 2023. Collection method: clinical testing. Allele origin: germline.

Labcorp Genetics (formerly Invitae), Labcorp
Classification: Uncertain significance for Early-infantile DEE. Last evaluated: 2023-05-25. Review status: criteria provided, single submitter. Criteria: Invitae Variant Classification Sherloc (09022015). Collection method: clinical testing. Allele origin: germline.
Comment: ClinVar contains an entry for this variant (Variation ID: 424483). In summary, the available evidence is currently insufficient to determine the role of this variant in disease. Therefore, it has been classified as a Variant of Uncertain Significance. Algorithms developed to predict the effect of missense changes on protein structure and function output the following: SIFT: "Not Available"; PolyPhen-2: "Benign"; Align-GVGD: "Not Available". The histidine amino acid residue is found in multiple mammalian species, which suggests that this missense change does not adversely affect protein function. This variant has not been reported in the literature in individuals affected with KCNQ2-related conditions. The frequency data for this variant in the population databases is considered unreliable, as metrics indicate poor data quality at this position in the gnomAD database. This sequence change replaces arginine, which is basic and polar, with histidine, which is basic and polar, at codon 432 of the KCNQ2 protein (p.Arg432His).

GeneDx
Classification: Likely benign. Last evaluated: 2018-08-03. Review status: criteria provided, single submitter. Criteria: GeneDx Variant Classification Process June 2021. Collection method: clinical testing. Allele origin: germline. Affected: yes.

NM_172107.4(KCNQ2):c.1295G>A (p.Arg432His)

Gene: KCNQ2 (potassium voltage-gated channel subfamily Q member 2; minus strand). Cytogenetic location: 20q13.33.
Variant type: single nucleotide variant.
Coding change: c.1295G>A on transcript NM_172107.4 (MANE Select); coding-DNA position 1295, G replaced by A.
Protein change: p.Arg432His; replaces arginine 432 with histidine.
Molecular consequence: missense variant. On other transcripts: intron variant (3).
Genome position (GRCh38, 1-based): chr20:63,419,625, C>T on the plus strand (G>A on the coding strand, the complement: KCNQ2 is on the minus strand). VCF-style: chr20-63419625-C-T. GRCh37 (hg19) VCF-style: chr20-62050978-C-T.
Other names: c.1218-4499G>A (NM_004518.6); c.1248-4535G>A (NM_172108.5); c.1248-4499G>A (NM_172106.3); short protein forms R432H.
Identifiers: ClinVar variation 424483 (VCV000424483.14), dbSNP rs758074713, ClinGen allele CA9958511.